The following is an entry in ClinVar:

NM_004304.5(ALK):c.4804G>A (p.Gly1602Ser)

Gene: ALK (ALK receptor tyrosine kinase; minus strand). Cytogenetic location: 2p23.2.
Variant type: single nucleotide variant.
Coding change: c.4804G>A on transcript NM_004304.5 (MANE Select); coding-DNA position 4804, G replaced by A.
Protein change: p.Gly1602Ser; replaces glycine 1602 with serine.
Molecular consequence: missense variant.
Genome position (GRCh38, 1-based): chr2:29,193,283, C>T on the plus strand (G>A on the coding strand, the complement: ALK is on the minus strand). VCF-style: chr2-29193283-C-T. GRCh37 (hg19) VCF-style: chr2-29416149-C-T.
Other names: c.4804G>A (NM_004304.4); c.1600G>A, p.Gly534Ser (NM_001353765.2); short protein forms G1602S, G534S.
Identifiers: ClinVar variation 1450788 (VCV001450788.7), dbSNP rs747161831, ClinGen allele CA1593477.

ClinVar aggregate classification (germline): Conflicting classifications of pathogenicity. Review status: criteria provided, conflicting classifications (1 of 4 stars). 2 submissions from 2 submitters: Uncertain significance (1); Likely benign (1). Last evaluated 2025-06-20.

Conditions:
Hereditary cancer-predisposing syndrome. Also called: Tumor predisposition; Hereditary neoplastic syndrome; Hereditary Cancer Syndrome; Neoplastic Syndromes, Hereditary. Identifiers: Orphanet 140162, MedGen C0027672, MeSH D009386, MONDO:0015356.
Neuroblastoma, susceptibility to, 3. Also called: ALK-Related Neuroblastic Tumor Susceptibility. Identifiers: Orphanet 635, MedGen C2751681, MONDO:0013083, OMIM 613014.

Allele frequency attached by ClinVar (database versions not stated): gnomAD 0.00001; ExAC 0.00002.
gnomAD v4.1: 16 of 1,614,036 alleles (0.00099%); no homozygotes.

Submissions (2):

Labcorp Genetics (formerly Invitae), Labcorp
Classification: Uncertain significance for Neuroblastoma, susceptibility to, 3. Last evaluated: 2025-06-20. Review status: criteria provided, single submitter. Criteria: Invitae Variant Classification Sherloc (09022015). Collection method: clinical testing. Allele origin: germline.
Comment: This sequence change replaces glycine, which is neutral and non-polar, with serine, which is neutral and polar, at codon 1602 of the ALK protein (p.Gly1602Ser). This variant is present in population databases (rs747161831, gnomAD 0.02%). This variant has not been reported in the literature in individuals affected with ALK-related conditions. ClinVar contains an entry for this variant (Variation ID: 1450788). An algorithm developed to predict the effect of missense changes on protein structure and function outputs the following: PolyPhen-2: "Benign". The serine amino acid residue is found in multiple mammalian species, which suggests that this missense change does not adversely affect protein function. In summary, the available evidence is currently insufficient to determine the role of this variant in disease. Therefore, it has been classified as a Variant of Uncertain Significance.

Ambry Genetics
Classification: Likely benign for Hereditary cancer-predisposing syndrome. Last evaluated: 2025-02-12. Review status: criteria provided, single submitter. Criteria: Ambry Variant Classification Scheme 2023. Collection method: clinical testing. Allele origin: germline.